The following is an entry in ClinVar:

ClinVar aggregate classification (germline): Benign (1 of 4 stars; one submission).

gnomAD v4.1: 9,216 of 1,550,796 alleles (0.59%); highest among the groups gnomAD compares: South Asian, 1.2%; 49 homozygotes.

Submission:

Mayo Clinic Laboratories, Mayo Clinic
Classification: Benign. Last evaluated: 2025-05-07. Review status: criteria provided, single submitter. Criteria: ACMG Guidelines, 2015. Collection method: clinical testing. Allele origin: germline. Observed: 2 variant alleles.
Comment: BS1, BS2

NM_030762.3(BHLHE41):c.621G>C (p.Ala207=)

Genes: BHLHE41 (basic helix-loop-helix family member e41; minus strand), SSPN (sarcospan; plus strand). Cytogenetic location: 12p12.1.
Variant type: single nucleotide variant.
Coding change: c.621G>C on transcript NM_030762.3 (MANE Select); coding-DNA position 621, G replaced by C.
Protein change: p.Ala207=; no amino-acid change (alanine 207 retained).
Molecular consequence: synonymous variant.
Genome position (GRCh38, 1-based): chr12:26,122,894, C>G on the plus strand (G>C on the coding strand, the complement: BHLHE41 is on the minus strand). VCF-style: chr12-26122894-C-G. GRCh37 (hg19) VCF-style: chr12-26275827-C-G.
Other names: p.Ala207=.
Identifiers: ClinVar variation 4683740 (VCV004683740.1).